The following is an entry in ClinVar:

ClinVar aggregate classification (germline): Uncertain significance (1 of 4 stars; one submission).

Conditions:
Developmental and epileptic encephalopathy, 1 (DEE1). Also called: Tonic spasms with clustering, arrest of psychomotor development and hypsarrhythmia on EEG; X-Linked Infantile Spasm Syndrome; X-linked infantile spasms; West's syndrome; OHTAHARA SYNDROME, X-LINKED; Epileptic encephalopathy, early infantile, 1. Identifiers: MedGen C3463992, MONDO:0010632, OMIM 308350. Disease mechanism: loss of function.
Intellectual disability, X-linked, with or without seizures, ARX-related. Also called: Mental retardation, X-linked 52; INTELLECTUAL DEVELOPMENTAL DISORDER, X-LINKED 29; MENTAL RETARDATION, X-LINKED 29; MENTAL RETARDATION, X-LINKED 32; MENTAL RETARDATION, X-LINKED 33; MENTAL RETARDATION, X-LINKED 38. Identifiers: Orphanet 777, MedGen C0796244, MONDO:0010317, OMIM 300419.

Submission:

Labcorp Genetics (formerly Invitae), Labcorp
Classification: Uncertain significance for Developmental and epileptic encephalopathy, 1; Intellectual disability, X-linked, with or without seizures, ARX-related. Last evaluated: 2022-07-05. Review status: criteria provided, single submitter. Criteria: Invitae Variant Classification Sherloc (09022015). Collection method: clinical testing. Allele origin: germline.
Comment: In summary, the available evidence is currently insufficient to determine the role of this variant in disease. Therefore, it has been classified as a Variant of Uncertain Significance. Advanced modeling of protein sequence and biophysical properties (such as structural, functional, and spatial information, amino acid conservation, physicochemical variation, residue mobility, and thermodynamic stability) performed at Invitae indicates that this missense variant is expected to disrupt ARX protein function. ClinVar contains an entry for this variant (Variation ID: 1022114). This variant has not been reported in the literature in individuals affected with ARX-related conditions. This variant is not present in population databases (gnomAD no frequency). This sequence change replaces alanine, which is neutral and non-polar, with valine, which is neutral and non-polar, at codon 315 of the ARX protein (p.Ala315Val).

NM_139058.3(ARX):c.944C>T (p.Ala315Val)

Gene: ARX (aristaless related homeobox; minus strand). Cytogenetic location: Xp21.3.
Variant type: single nucleotide variant.
Coding change: c.944C>T on transcript NM_139058.3 (MANE Select); coding-DNA position 944, C replaced by T.
Protein change: p.Ala315Val; replaces alanine 315 with valine.
Molecular consequence: missense variant.
Genome position (GRCh38, 1-based): chrX:25,013,051, G>A on the plus strand (C>T on the coding strand, the complement: ARX is on the minus strand). VCF-style: chrX-25013051-G-A. GRCh37 (hg19) VCF-style: chrX-25031168-G-A.
Other names: short protein forms A315V.
Identifiers: ClinVar variation 1022114 (VCV001022114.12), dbSNP rs2048708779, ClinGen allele CA412612104.